The following is an entry in ClinVar:

ClinVar aggregate classification (germline): Pathogenic (1 of 4 stars; one submission).

Submission:

Labcorp Genetics (formerly Invitae), Labcorp
Classification: Pathogenic. Last evaluated: 2023-05-15. Review status: criteria provided, single submitter. Criteria: Invitae Variant Classification Sherloc (09022015). Collection method: clinical testing. Allele origin: germline.
Comment: For these reasons, this variant has been classified as Pathogenic. ClinVar contains an entry for this variant (Variation ID: 2024903). This variant has not been reported in the literature in individuals affected with CTNNA1-related conditions. This variant is not present in population databases (gnomAD no frequency). This sequence change creates a premature translational stop signal (p.Gln667*) in the CTNNA1 gene. It is expected to result in an absent or disrupted protein product. Loss-of-function variants in CTNNA1 are known to be pathogenic (PMID: 32051609, 34425242).

Literature cited by the submitters: PubMed 32051609; PubMed 34425242.

NM_001903.5(CTNNA1):c.1999C>T (p.Gln667Ter)

Gene: CTNNA1 (catenin alpha 1; plus strand). Cytogenetic location: 5q31.2.
Variant type: single nucleotide variant.
Coding change: c.1999C>T on transcript NM_001903.5 (MANE Select); coding-DNA position 1999, C replaced by T.
Protein change: p.Gln667Ter; replaces glutamine 667 with a stop codon.
Molecular consequence: nonsense.
Genome position (GRCh38, 1-based): chr5:138,929,345, C>T. VCF-style: chr5-138929345-C-T. GRCh37 (hg19) VCF-style: chr5-138265034-C-T.
Other names: c.1999C>T, p.Gln667Ter (NM_001290307.3, NM_001323982.2, NM_001323983.1 and 2 more transcripts); c.1690C>T, p.Gln564Ter (NM_001290309.3); c.1630C>T, p.Gln544Ter (NM_001290310.3); c.889C>T, p.Gln297Ter (NM_001290312.1, NM_001323987.1, NM_001323988.1 and 17 more transcripts); c.1906C>T, p.Gln636Ter (NM_001323986.2); c.550C>T, p.Gln184Ter (NM_001324006.1, NM_001324007.1, NM_001324008.1 and 2 more transcripts); c.796C>T, p.Gln266Ter (NM_001324011.1); c.646C>T, p.Gln216Ter (NM_001324012.1, NM_001324013.1); short protein forms Q184*, Q266*, Q297*, Q564*, Q667*, Q216*, Q544*, Q636*.
Identifiers: ClinVar variation 2024903 (VCV002024903.4), dbSNP rs2533822409, ClinGen allele CA361132922.